The following is an entry in ClinVar:

NM_020433.5(JPH2):c.1562G>A (p.Ser521Asn)

Gene: JPH2 (junctophilin 2; minus strand). Cytogenetic location: 20q13.12.
Variant type: single nucleotide variant.
Coding change: c.1562G>A on transcript NM_020433.5 (MANE Select); coding-DNA position 1562, G replaced by A.
Protein change: p.Ser521Asn; replaces serine 521 with asparagine.
Molecular consequence: missense variant.
Genome position (GRCh38, 1-based): chr20:44,116,113, C>T on the plus strand (G>A on the coding strand, the complement: JPH2 is on the minus strand). VCF-style: chr20-44116113-C-T. GRCh37 (hg19) VCF-style: chr20-42744753-C-T.
Other names: short protein forms S521N.
Identifiers: ClinVar variation 392161 (VCV000392161.2), dbSNP rs1057524375, ClinGen allele CA16608438.

ClinVar aggregate classification (germline): Uncertain significance (1 of 4 stars; one submission).

Allele frequency attached by ClinVar (database versions not stated): gnomAD exomes below 0.00001.
gnomAD v4.1: 3 of 1,474,842 alleles (0.0002%); highest among the groups gnomAD compares: Non-Finnish European, 0.00027%; no homozygotes.

Submission:

GeneDx
Classification: Uncertain significance. Last evaluated: 2016-12-27. Review status: criteria provided, single submitter. Criteria: GeneDx Variant Classification (06012015). Collection method: clinical testing. Allele origin: germline. Affected: yes.
Comment: A variant of uncertain significance has been identified in the JPH2 gene. The S521N variant has not been published as a pathogenic variant, nor has it been reported as a benign variant to our knowledge. This variant was not observed in approximately 4,200 individuals of European and African American ancestry in the NHLBI Exome Sequencing Project, indicating it is not a common benign variant in these populations. However, the S521N variant is a conservative amino acid substitution, which is not likely to impact secondary protein structure as these residues share similar properties. This substitution occurs at a position where amino acids with similar properties to Serine are tolerated across species. Finally, in silico analysis is inconsistent in its predictions as to whether or not the variant is damaging to the protein structure/function. Therefore, based on the currently available information, it is unclear whether this variant is pathogenic or rare benign.